The following is an entry in ClinVar:

ClinVar aggregate classification (germline): Uncertain significance. Review status: criteria provided, multiple submitters, no conflicts (2 of 4 stars). 2 submissions from 2 submitters: Uncertain significance (2). Last evaluated 2025-07-13.

Conditions:
Amelocerebrohypohidrotic syndrome (KTZS). Also called: EPILEPSY AND YELLOW TEETH; EPILEPSY, DEMENTIA, AND AMELOGENESIS IMPERFECTA; KOHLSCHUTTER SYNDROME; Kohlschutter's syndrome. Identifiers: Orphanet 1946, MedGen C0406740, MONDO:0009185, OMIM 226750.
Inborn genetic diseases. Identifiers: MedGen C0950123, MeSH D030342.

Allele frequency attached by ClinVar (database versions not stated): TOPMed 0.00002.
gnomAD v4.1: 48 of 1,452,604 alleles (0.0033%); highest among the groups gnomAD compares: Non-Finnish European, 0.004%; no homozygotes.

Submissions (2):

Ambry Genetics
Classification: Uncertain significance for Inborn genetic diseases. Last evaluated: 2025-07-13. Review status: criteria provided, single submitter. Criteria: Ambry Variant Classification Scheme 2023. Collection method: clinical testing. Allele origin: germline.

Labcorp Genetics (formerly Invitae), Labcorp
Classification: Uncertain significance for Amelocerebrohypohidrotic syndrome. Last evaluated: 2022-08-20. Review status: criteria provided, single submitter. Criteria: Invitae Variant Classification Sherloc (09022015). Collection method: clinical testing. Allele origin: germline.
Comment: This sequence change replaces leucine, which is neutral and non-polar, with arginine, which is basic and polar, at codon 265 of the ROGDI protein (p.Leu265Arg). This variant is present in population databases (rs771427647, gnomAD 0.002%). This variant has not been reported in the literature in individuals affected with ROGDI-related conditions. ClinVar contains an entry for this variant (Variation ID: 1061457). Algorithms developed to predict the effect of missense changes on protein structure and function are either unavailable or do not agree on the potential impact of this missense change (SIFT: "Deleterious"; PolyPhen-2: "Probably Damaging"; Align-GVGD: "Class C0"). In summary, the available evidence is currently insufficient to determine the role of this variant in disease. Therefore, it has been classified as a Variant of Uncertain Significance.

NM_024589.3(ROGDI):c.794T>G (p.Leu265Arg)

Gene: ROGDI (rogdi atypical leucine zipper; minus strand). Cytogenetic location: 16p13.3.
Variant type: single nucleotide variant.
Coding change: c.794T>G on transcript NM_024589.3 (MANE Select); coding-DNA position 794, T replaced by G.
Protein change: p.Leu265Arg; replaces leucine 265 with arginine.
Molecular consequence: missense variant. On other transcripts: non-coding transcript variant (1).
Genome position (GRCh38, 1-based): chr16:4,797,742, A>C on the plus strand (T>G on the coding strand, the complement: ROGDI is on the minus strand). VCF-style: chr16-4797742-A-C. GRCh37 (hg19) VCF-style: chr16-4847743-A-C.
Other names: c.794T>G (NM_024589.1); short protein forms L265R.
Identifiers: ClinVar variation 1061457 (VCV001061457.7), dbSNP rs771427647, ClinGen allele CA7882480.